The following is an entry in ClinVar:

NM_002890.3(RASA1):c.434C>G (p.Pro145Arg)

Gene: RASA1 (RAS p21 protein activator 1; plus strand). Cytogenetic location: 5q14.3.
Variant type: single nucleotide variant.
Coding change: c.434C>G on transcript NM_002890.3 (MANE Select); coding-DNA position 434, C replaced by G.
Protein change: p.Pro145Arg; replaces proline 145 with arginine.
Molecular consequence: missense variant.
Genome position (GRCh38, 1-based): chr5:87,268,885, C>G. VCF-style: chr5-87268885-C-G. GRCh37 (hg19) VCF-style: chr5-86564702-C-G.
Other names: short protein forms P145R.
Identifiers: ClinVar variation 3671521 (VCV003671521.2).

ClinVar aggregate classification (germline): Uncertain significance (1 of 4 stars; one submission).

Conditions:
Capillary malformation-arteriovenous malformation syndrome. Also called: Capillary malformation-arteriovenous malformation. Identifiers: Orphanet 137667, MedGen C1842180, MONDO:0012016.

gnomAD v4.1: 2 of 1,614,130 alleles (0.00012%); highest among the groups gnomAD compares: Admixed American, 0.0017%; no homozygotes.

Submission:

Labcorp Genetics (formerly Invitae), Labcorp
Classification: Uncertain significance for Capillary malformation-arteriovenous malformation syndrome. Last evaluated: 2024-11-30. Review status: criteria provided, single submitter. Criteria: Invitae Variant Classification Sherloc (09022015). Collection method: clinical testing. Allele origin: germline.
Comment: This sequence change replaces proline, which is neutral and non-polar, with arginine, which is basic and polar, at codon 145 of the RASA1 protein (p.Pro145Arg). This variant is present in population databases (no rsID available, gnomAD 0.003%). This variant has not been reported in the literature in individuals affected with RASA1-related conditions. An algorithm developed to predict the effect of missense changes on protein structure and function (PolyPhen-2) suggests that this variant is likely to be disruptive. In summary, the available evidence is currently insufficient to determine the role of this variant in disease. Therefore, it has been classified as a Variant of Uncertain Significance.